The following is an entry in ClinVar:

ClinVar aggregate classification (germline): Uncertain significance (1 of 4 stars; one submission).

Conditions:
Pyogenic bacterial infections due to MyD88 deficiency (IMD68). Also called: PYOGENIC BACTERIAL INFECTIONS, RECURRENT, DUE TO MYD88 DEFICIENCY. Identifiers: Orphanet 183713, MedGen C2677092, MONDO:0012839, OMIM 612260.

Submission:

Labcorp Genetics (formerly Invitae), Labcorp
Classification: Uncertain significance for Pyogenic bacterial infections due to MyD88 deficiency. Last evaluated: 2021-08-03. Review status: criteria provided, single submitter. Criteria: Invitae Variant Classification Sherloc (09022015). Collection method: clinical testing. Allele origin: germline.
Comment: This sequence change replaces leucine with phenylalanine at codon 204 of the MYD88 protein (p.Leu204Phe). The leucine residue is highly conserved and there is a small physicochemical difference between leucine and phenylalanine. This variant is not present in population databases (ExAC no frequency). This variant has not been reported in the literature in individuals affected with MYD88-related conditions. Algorithms developed to predict the effect of missense changes on protein structure and function are either unavailable or do not agree on the potential impact of this missense change (SIFT: "Deleterious"; PolyPhen-2: "Probably Damaging"; Align-GVGD: "Class C15"). In summary, the available evidence is currently insufficient to determine the role of this variant in disease. Therefore, it has been classified as a Variant of Uncertain Significance.

NM_002468.5(MYD88):c.573G>C (p.Leu191Phe)

Gene: MYD88 (MYD88 innate immune signal transduction adaptor; plus strand). Cytogenetic location: 3p22.2.
Variant type: single nucleotide variant.
Coding change: c.573G>C on transcript NM_002468.5 (MANE Select); coding-DNA position 573, G replaced by C.
Protein change: p.Leu191Phe; replaces leucine 191 with phenylalanine.
Molecular consequence: missense variant. On other transcripts: intron variant (2).
Genome position (GRCh38, 1-based): chr3:38,140,497, G>C. VCF-style: chr3-38140497-G-C. GRCh37 (hg19) VCF-style: chr3-38181988-G-C.
Other names: c.573G>C, p.Leu191Phe (NM_001172567.2, NM_001365876.1, NM_001374787.1); c.438G>C, p.Leu146Phe (NM_001172568.2, NM_001365877.1); c.464-260G>C (NM_001172569.3); c.329-260G>C (NM_001172566.2); short protein forms L146F, L191F.
Identifiers: ClinVar variation 1372255 (VCV001372255.1), dbSNP rs770441444, ClinGen allele CA352132712.